The following is an entry in ClinVar:

ClinVar aggregate classification (germline): Likely pathogenic. Review status: criteria provided, multiple submitters, no conflicts (2 of 4 stars). 3 submissions from 3 submitters: Likely pathogenic (3). Last evaluated 2024-04-05.

Conditions:
Histiocytic medullary reticulosis. Also called: SEVERE COMBINED IMMUNODEFICIENCY WITH HYPEREOSINOPHILIA; Omenn syndrome. Identifiers: Orphanet 39041, MedGen C2700553, MONDO:0011338, OMIM 603554.
Severe combined immunodeficiency due to DCLRE1C deficiency (RS-SCID). Also called: SCID, AUTOSOMAL RECESSIVE, T CELL-NEGATIVE, B CELL-NEGATIVE, NK CELL-POSITIVE, WITH SENSITIVITY TO IONIZING RADIATION. Identifiers: Orphanet 275, MedGen C1865371, MONDO:0011225, OMIM 602450.

Submissions (3):

Labcorp Genetics (formerly Invitae), Labcorp
Classification: Likely pathogenic for Athabaskan severe combined immunodeficiency. Last evaluated: 2024-04-05. Review status: criteria provided, single submitter. Criteria: Invitae Variant Classification Sherloc (09022015). Collection method: clinical testing. Allele origin: germline.
Comment: This sequence change affects a donor splice site in intron 4 of the DCLRE1C gene. It is expected to disrupt RNA splicing. Variants that disrupt the donor or acceptor splice site typically lead to a loss of protein function (PMID: 16199547), and loss-of-function variants in DCLRE1C are known to be pathogenic (PMID: 21664875, 26123418). This variant is not present in population databases (gnomAD no frequency). This variant has not been reported in the literature in individuals affected with DCLRE1C-related conditions. ClinVar contains an entry for this variant (Variation ID: 1465086). Algorithms developed to predict the effect of sequence changes on RNA splicing suggest that this variant may disrupt the consensus splice site. In summary, the currently available evidence indicates that the variant is pathogenic, but additional data are needed to prove that conclusively. Therefore, this variant has been classified as Likely Pathogenic.

Fulgent Genetics
Classification: Likely pathogenic for Severe combined immunodeficiency due to DCLRE1C deficiency; Histiocytic medullary reticulosis. Last evaluated: 2024-03-28. Review status: criteria provided, single submitter. Criteria: ACMG Guidelines, 2015. Collection method: clinical testing. Allele origin: germline.

Baylor Genetics
Classification: Likely pathogenic for Histiocytic medullary reticulosis. Last evaluated: 2023-08-01. Review status: criteria provided, single submitter. Criteria: ACMG Guidelines, 2015. Collection method: clinical testing. Allele origin: unknown.

Literature cited by the submitters: PubMed 16199547 (cited by Labcorp Genetics (formerly Invitae), Labcorp); PubMed 21664875 (cited by Labcorp Genetics (formerly Invitae), Labcorp); PubMed 26123418 (cited by Labcorp Genetics (formerly Invitae), Labcorp).

NM_001033855.3(DCLRE1C):c.306+2T>A

Gene: DCLRE1C (DNA cross-link repair 1C; minus strand). Cytogenetic location: 10p13.
Variant type: single nucleotide variant.
Coding change: c.306+2T>A on transcript NM_001033855.3 (MANE Select); the canonical splice donor site of the intron after coding-DNA position 306, T replaced by A.
Molecular consequence: splice donor variant.
Genome position (GRCh38, 1-based): chr10:14,939,808, A>T on the plus strand (T>A on the coding strand, the complement: DCLRE1C is on the minus strand). VCF-style: chr10-14939808-A-T. GRCh37 (hg19) VCF-style: chr10-14981807-A-T.
Other names: c.17+2T>A (NM_001350966.2, NM_001289078.2, NM_001289076.2 and 1 more transcripts); c.306+2T>A (NM_001350965.2); c.-55+2T>A (NM_001350967.2, NM_001289077.2, NM_001289079.2 and 2 more transcripts).
Identifiers: ClinVar variation 1465086 (VCV001465086.6), dbSNP rs2131026813, ClinGen allele CA376062129.